The following is an entry in ClinVar:

ClinVar aggregate classification (germline): Uncertain significance (1 of 4 stars; one submission).

gnomAD v4.1: 1 of 1,614,168 alleles (0.000062%); highest among the groups gnomAD compares: Non-Finnish European, 0.000085%; no homozygotes.

Submission:

Labcorp Genetics (formerly Invitae), Labcorp
Classification: Uncertain significance. Last evaluated: 2025-03-24. Review status: criteria provided, single submitter. Criteria: Invitae Variant Classification Sherloc (09022015). Collection method: clinical testing. Allele origin: germline.
Comment: This sequence change replaces threonine, which is neutral and polar, with serine, which is neutral and polar, at codon 264 of the SERPING1 protein (p.Thr264Ser). This variant is not present in population databases (gnomAD no frequency). This variant has not been reported in the literature in individuals affected with SERPING1-related conditions. An algorithm developed to predict the effect of missense changes on protein structure and function outputs the following: PolyPhen-2: "Benign". The serine amino acid residue is found in multiple mammalian species, which suggests that this missense change does not adversely affect protein function. In summary, the available evidence is currently insufficient to determine the role of this variant in disease. Therefore, it has been classified as a Variant of Uncertain Significance.

NM_000062.3(SERPING1):c.791C>G (p.Thr264Ser)

Gene: SERPING1 (serpin family G member 1; plus strand). Cytogenetic location: 11q12.1.
Variant type: single nucleotide variant.
Coding change: c.791C>G on transcript NM_000062.3 (MANE Select); coding-DNA position 791, C replaced by G.
Protein change: p.Thr264Ser; replaces threonine 264 with serine.
Molecular consequence: missense variant.
Genome position (GRCh38, 1-based): chr11:57,606,115, C>G. VCF-style: chr11-57606115-C-G. GRCh37 (hg19) VCF-style: chr11-57373588-C-G.
Other names: c.791C>G, p.Thr264Ser (NM_001032295.2); short protein forms T264S.
Identifiers: ClinVar variation 4753423 (VCV004753423.1).